The following is an entry in ClinVar:

NM_018344.6(SLC29A3):c.395A>G (p.His132Arg)

Gene: SLC29A3 (solute carrier family 29 member 3; plus strand). Cytogenetic location: 10q22.1.
Variant type: single nucleotide variant.
Coding change: c.395A>G on transcript NM_018344.6 (MANE Select); coding-DNA position 395, A replaced by G.
Protein change: p.His132Arg; replaces histidine 132 with arginine.
Molecular consequence: missense variant. On other transcripts: non-coding transcript variant (1).
Genome position (GRCh38, 1-based): chr10:71,351,573, A>G. VCF-style: chr10-71351573-A-G. GRCh37 (hg19) VCF-style: chr10-73111330-A-G.
Other names: c.395A>G, p.His132Arg (NM_001174098.2); c.161A>G, p.His54Arg (NM_001363518.2); short protein forms H132R, H54R.
Identifiers: ClinVar variation 1045379 (VCV001045379.7), dbSNP rs777204470, ClinGen allele CA5542926.

ClinVar aggregate classification (germline): Uncertain significance (1 of 4 stars; one submission).

Conditions:
H syndrome. Also called: Pigmented hypertrichosis and insulin-dependent diabetes mellitus; HISTIOCYTOSIS AND LYMPHADENOPATHY WITH OR WITHOUT CUTANEOUS, CARDIAC, AND/OR ENDOCRINE FEATURES, JOINT CONTRACTURES, AND/OR DEAFNESS; HYPERPIGMENTATION, CUTANEOUS, WITH HYPERTRICHOSIS, HEPATOSPLENOMEGALY, HEART ANOMALIES, AND HYPOGONADISM WITH OR WITHOUT HEARING LOSS; PIGMENTED HYPERTRICHOSIS WITH INSULIN-DEPENDENT DIABETES MELLITUS; ROSAI-DORFMAN DISEASE, FAMILIAL; SINUS HISTIOCYTOSIS AND MASSIVE LYMPHADENOPATHY. Identifiers: Orphanet 168569, MedGen C1864445, MONDO:0011273, OMIM 602782.

Allele frequency attached by ClinVar (database versions not stated): gnomAD exomes below 0.00001 and 0.00001; gnomAD 0.00001; ExAC 0.00002; 1000 Genomes Project 30x 0.00016.
gnomAD v4.1: 2 of 1,614,224 alleles (0.00012%); highest among the groups gnomAD compares: East Asian, 0.0045%; no homozygotes.

Submission:

Labcorp Genetics (formerly Invitae), Labcorp
Classification: Uncertain significance for H syndrome. Last evaluated: 2021-01-19. Review status: criteria provided, single submitter. Criteria: Invitae Variant Classification Sherloc (09022015). Collection method: clinical testing. Allele origin: germline.
Comment: In summary, the available evidence is currently insufficient to determine the role of this variant in disease. Therefore, it has been classified as a Variant of Uncertain Significance. Algorithms developed to predict the effect of missense changes on protein structure and function (SIFT, PolyPhen-2, Align-GVGD) all suggest that this variant is likely to be tolerated, but these predictions have not been confirmed by published functional studies and their clinical significance is uncertain. This variant has not been reported in the literature in individuals with SLC29A3-related conditions. This variant is present in population databases (rs777204470, ExAC 0.02%). This sequence change replaces histidine with arginine at codon 132 of the SLC29A3 protein (p.His132Arg). The histidine residue is moderately conserved and there is a small physicochemical difference between histidine and arginine.